The following is an entry in ClinVar:

ClinVar aggregate classification (germline): Uncertain significance (1 of 4 stars; one submission).

Conditions:
Hereditary cancer-predisposing syndrome. Also called: Tumor predisposition; Hereditary Cancer Syndrome; Hereditary neoplastic syndrome; Neoplastic Syndromes, Hereditary. Identifiers: Orphanet 140162, MedGen C0027672, MeSH D009386, MONDO:0015356.

Submission:

Ambry Genetics
Classification: Uncertain significance for Hereditary cancer-predisposing syndrome. Last evaluated: 2024-06-03. Review status: criteria provided, single submitter. Criteria: Ambry Variant Classification Scheme 2023. Collection method: clinical testing. Allele origin: germline.
Comment: The p.N885H variant (also known as c.2653A>C), located in coding exon 16 of the DICER1 gene, results from an A to C substitution at nucleotide position 2653. The asparagine at codon 885 is replaced by histidine, an amino acid with similar properties. This amino acid position is conserved. In addition, this alteration is predicted to be tolerated by in silico analysis. Based on the available evidence, the clinical significance of this variant remains unclear.

NM_177438.3(DICER1):c.2653A>C (p.Asn885His)

Gene: DICER1 (dicer 1, ribonuclease III; minus strand). Cytogenetic location: 14q32.13.
Variant type: single nucleotide variant.
Coding change: c.2653A>C on transcript NM_177438.3 (MANE Select); coding-DNA position 2653, A replaced by C.
Protein change: p.Asn885His; replaces asparagine 885 with histidine.
Molecular consequence: missense variant. On other transcripts: non-coding transcript variant (6).
Genome position (GRCh38, 1-based): chr14:95,107,759, T>G on the plus strand (A>C on the coding strand, the complement: DICER1 is on the minus strand). VCF-style: chr14-95107759-T-G. GRCh37 (hg19) VCF-style: chr14-95574096-T-G.
Other names: c.2653A>C, p.Asn885His (NM_001195573.1, NM_001271282.3, NM_001291628.2 and 12 more transcripts); c.2371A>C, p.Asn791His (NM_001395686.1); c.2248A>C, p.Asn750His (NM_001395687.1, NM_001395688.1, NM_001395689.1 and 2 more transcripts); c.2086A>C, p.Asn696His (NM_001395691.1); c.970A>C, p.Asn324His (NM_001395697.1); short protein forms N696H, N791H, N885H, N324H, N750H.
Identifiers: ClinVar variation 3272043 (VCV003272043.1).